The following is an entry in ClinVar:

NM_001127222.2(CACNA1A):c.6041G>A (p.Gly2014Glu)

Gene: CACNA1A (calcium voltage-gated channel subunit alpha1 A; minus strand). Cytogenetic location: 19p13.13.
Variant type: single nucleotide variant.
Coding change: c.6041G>A on transcript NM_001127222.2 (MANE Select); coding-DNA position 6041, G replaced by A.
Protein change: p.Gly2014Glu; replaces glycine 2014 with glutamic acid.
Molecular consequence: missense variant.
Genome position (GRCh38, 1-based): chr19:13,212,640, C>T on the plus strand (G>A on the coding strand, the complement: CACNA1A is on the minus strand). VCF-style: chr19-13212640-C-T. GRCh37 (hg19) VCF-style: chr19-13323454-C-T.
Other names: c.6059G>A, p.Gly2020Glu (NM_000068.4, NM_023035.3); c.6044G>A, p.Gly2015Glu (NM_001127221.2); c.6050G>A, p.Gly2017Glu (NM_001174080.2); short protein forms G2014E, G2015E, G2017E, G2020E.
Identifiers: ClinVar variation 5018256 (VCV005018256.1).

ClinVar aggregate classification (germline): Uncertain significance (1 of 4 stars; one submission).

Submission:

GeneDx
Classification: Uncertain significance. Last evaluated: 2026-04-06. Review status: criteria provided, single submitter. Criteria: GeneDx Variant Classification Process June 2021. Collection method: clinical testing. Allele origin: germline.
Comment: Not observed at significant frequency in large population cohorts (gnomAD); In silico analysis supports that this missense variant has a deleterious effect on protein structure/function; Has not been previously published as pathogenic or benign to our knowledge